The following is an entry in ClinVar:

ClinVar aggregate classification (germline): Uncertain significance (1 of 4 stars; one submission).

Conditions:
Gastrointestinal stromal tumor. Also called: Gastrointestinal stroma tumor; Gastrointestinal stromal tumor, somatic. Identifiers: Orphanet 44890, MedGen C0238198, MeSH D046152, MONDO:0011719, OMIM 606764, HP:0100723.

Allele frequency attached by ClinVar (database versions not stated): gnomAD exomes below 0.00001.
gnomAD v4.1: 1 of 1,606,570 alleles (0.000062%); highest among the groups gnomAD compares: Non-Finnish European, 0.000085%; no homozygotes.

Submission:

Labcorp Genetics (formerly Invitae), Labcorp
Classification: Uncertain significance for Gastrointestinal stromal tumor. Last evaluated: 2022-07-19. Review status: criteria provided, single submitter. Criteria: Invitae Variant Classification Sherloc (09022015). Collection method: clinical testing. Allele origin: germline.
Comment: This sequence change replaces alanine, which is neutral and non-polar, with serine, which is neutral and polar, at codon 402 of the KIT protein (p.Ala402Ser). This variant is not present in population databases (gnomAD no frequency). This variant has not been reported in the literature in individuals affected with KIT-related conditions. ClinVar contains an entry for this variant (Variation ID: 1368585). Algorithms developed to predict the effect of missense changes on protein structure and function output the following: SIFT: "Tolerated"; PolyPhen-2: "Benign"; Align-GVGD: "Class C0". The serine amino acid residue is found in multiple mammalian species, which suggests that this missense change does not adversely affect protein function. In summary, the available evidence is currently insufficient to determine the role of this variant in disease. Therefore, it has been classified as a Variant of Uncertain Significance.

NM_000222.3(KIT):c.1204G>T (p.Ala402Ser)

Gene: KIT (KIT proto-oncogene, receptor tyrosine kinase; plus strand). Cytogenetic location: 4q12.
Variant type: single nucleotide variant.
Coding change: c.1204G>T on transcript NM_000222.3 (MANE Select); coding-DNA position 1204, G replaced by T.
Protein change: p.Ala402Ser; replaces alanine 402 with serine.
Molecular consequence: missense variant.
Genome position (GRCh38, 1-based): chr4:54,709,512, G>T. VCF-style: chr4-54709512-G-T. GRCh37 (hg19) VCF-style: chr4-55575678-G-T.
Other names: c.1204G>T, p.Ala402Ser (NM_001093772.2, NM_001385285.1, NM_001385286.1); c.1207G>T, p.Ala403Ser (NM_001385284.1, NM_001385288.1, NM_001385290.1 and 1 more transcripts); short protein forms A402S, A403S.
Identifiers: ClinVar variation 1368585 (VCV001368585.8), dbSNP rs2109714391, ClinGen allele CA356902569.